The following is an entry in ClinVar:

ClinVar aggregate classification (germline): Pathogenic. Review status: criteria provided, multiple submitters, no conflicts (2 of 4 stars). 3 submissions from 3 submitters: Pathogenic (3). Last evaluated 2025-04-14.

Conditions:
Congenital disorder of deglycosylation 1. Also called: NGLY1-deficiency; NGLY1-Related Congenital Disorder of Deglycosylation. Identifiers: Orphanet 404454, MedGen CN306977, MONDO:0800044, OMIM 615273.
Congenital disorder of deglycosylation (CDDG). Identifiers: MedGen C3808991, MONDO:0031376.

Submissions (3):

Labcorp Genetics (formerly Invitae), Labcorp
Classification: Pathogenic for Congenital disorder of deglycosylation. Last evaluated: 2025-04-14. Review status: criteria provided, single submitter. Criteria: Invitae Variant Classification Sherloc (09022015). Collection method: clinical testing. Allele origin: germline.
Comment: This sequence change creates a premature translational stop signal (p.Met524Asnfs*9) in the NGLY1 gene. It is expected to result in an absent or disrupted protein product. Loss-of-function variants in NGLY1 are known to be pathogenic (PMID: 24651605). This variant is not present in population databases (gnomAD no frequency). This premature translational stop signal has been observed in individual(s) with NGLY1-related conditions (PMID: 33528536). This variant is also known as c.1567_1568insA:p.K523fs. ClinVar contains an entry for this variant (Variation ID: 503857). For these reasons, this variant has been classified as Pathogenic.

New York Genome Center
Classification: Pathogenic for Congenital disorder of deglycosylation 1. Last evaluated: 2024-10-28. Review status: criteria provided, single submitter. Criteria: NYGC Assertion Criteria 2020. Collection method: clinical testing. Allele origin: inherited. Observed: 1 variant allele, 1 compound heterozygote.
Comment: The inherited heterozygous c.1570dup p.(Met524AsnfsTer9) variant in NGLY1 duplicates an A nucleotide in a short poly A sequence within exon 10 of this 12 exon gene. This duplication is predicted to shift the reading frame and result in premature termination of the peptide sequence. The predicted result of this premature termination is degradation of the mRNA by nonsense mediated mRNA decay. The c.1570dup variant has been reported in an individual who also carried c.1624C>T p.(Arg542Ter) in a clinical cohort of cerebral palsy patients, although phase of the variants was not confirmed in this individual [PMID: 33528536]. This variant has also been observed on 3 alleles (0.00037% minor allele frequency with 0 homozygotes) in population databases (TOPMed Freeze 8, All of US), suggesting it is not a common benign variant in the populations represented in that database. The c.1570dup variant has been deposited in ClinVar [ClinVar ID: 503857] as a Pathogenic (2 submissions). Multiple loss-of-function variants downstream to the c.1570dup variant have been reported in the literature [PMID: 24651605, 30487145] and in ClinVar [ClinVar ID: 126424] with NGLY1 deficiency. Based on available evidence the paternally inherited heterozygous c.1570dup, p.(Met524AsnfsTer9) variant identified in the NGLY1 gene is classified as Pathogenic.

GeneDx
Classification: Pathogenic. Last evaluated: 2022-11-25. Review status: criteria provided, single submitter. Criteria: GeneDx Variant Classification Process June 2021. Collection method: clinical testing. Allele origin: germline. Affected: yes.
Comment: Frameshift variant predicted to result in protein truncation or nonsense mediated decay in a gene for which loss of function is a known mechanism of disease; Not observed at significant frequency in large population cohorts (gnomAD); Has not been previously published as pathogenic or benign to our knowledge

Literature cited by the submitters: PubMed 24651605 (cited by Labcorp Genetics (formerly Invitae), Labcorp); PubMed 33528536 (cited by Labcorp Genetics (formerly Invitae), Labcorp).

NM_018297.4(NGLY1):c.1570dup (p.Met524fs)

Gene: NGLY1 (N-glycanase 1; minus strand). Cytogenetic location: 3p24.2.
Variant type: Duplication.
Coding change: c.1570dup on transcript NM_018297.4 (MANE Select); coding-DNA position 1570, one base duplicated (A; older notation c.1570dupA).
Protein change: p.Met524fs; shifts the reading frame from methionine 524.
Molecular consequence: frameshift variant.
Genome position (GRCh38, 1-based): chr3:25,729,174, T duplicated on the plus strand (A on the coding strand, the reverse complement: NGLY1 is on the minus strand); the first of 4 consecutive T bases (chr3:25,729,174-25,729,177); duplicating any one gives the same sequence. VCF-style (leftmost placement, unchanged base first): chr3-25729173-A-AT. GRCh37 (hg19) VCF-style: chr3-25770664-A-AT.
Other names: c.1570dupA (NM_018297.3); c.1516dup, p.Met506fs (NM_001145293.2); c.1444dup, p.Met482fs (NM_001145294.2); c.1570dup, p.Met524fs (NM_001145295.2); short protein forms M482fs, M506fs, M524fs.
Identifiers: ClinVar variation 503857 (VCV000503857.9), dbSNP rs1553652151, ClinGen allele CA658796252.